The following is an entry in ClinVar:

NM_182931.3(KMT2E):c.3527_3530del (p.Thr1176fs)

Gene: KMT2E (lysine methyltransferase 2E (inactive); plus strand). Cytogenetic location: 7q22.3.
Variant type: Deletion.
Coding change: c.3527_3530del on transcript NM_182931.3 (MANE Select); coding-DNA positions 3527 to 3530, 4 bases deleted (CAGA; older notation c.3527_3530delCAGA).
Protein change: p.Thr1176fs; shifts the reading frame from threonine 1176.
Molecular consequence: frameshift variant.
Genome position (GRCh38, 1-based): chr7:105,109,000-105,109,003, CAGA deleted; deleting any 4 consecutive bases within chr7:105,108,997-105,109,003 gives the same sequence; the c. name uses the placement nearest the transcript's 3' end. VCF-style (leftmost placement, unchanged base first): chr7-105108996-AAGAC-A. GRCh37 (hg19) VCF-style: chr7-104749443-AAGAC-A.
Other names: c.3527_3530del, p.Thr1176fs (NM_018682.4); short protein forms T1176fs.
Identifiers: ClinVar variation 805910 (VCV000805910.5), dbSNP rs1584807875, ClinGen allele CA913184812.

ClinVar aggregate classification (germline): Conflicting classifications of pathogenicity. Review status: criteria provided, conflicting classifications (1 of 4 stars). 3 submissions from 3 submitters: Pathogenic (2); Uncertain significance (1). Last evaluated 2024-11-12.

Conditions:
O'Donnell-Luria-Rodan syndrome (ODLURO). Also called: KMT2E-Related Neurodevelopmental Disorder. Identifiers: MedGen C5193138, MONDO:0032793, OMIM 618512.

Submissions (3):

Translational Cytogenomics Research Unit, Bambino Gesu Children Hospital
Classification: Pathogenic for O'Donnell-Luria-Rodan syndrome. Last evaluated: 2024-11-12. Review status: criteria provided, single submitter. Criteria: ACMG Guidelines, 2015. Collection method: clinical testing. Allele origin: de novo. Affected: yes.
Comment: Null variant (frame-shift) in gene KMT2E, predicted to cause NMD. Loss-of-function is a known mechanism of disease (gene has 104 reported pathogenic LOF variants). The exon affects 1 functional domain: UniProt protein KMT2E_HUMAN region of interest 'Disordered'. The exon contains 7 pathogenic variants. The truncated region contains 28 pathogenic variants. LOVD classifies this variant as Pathogenic (ID240179). This variant has been identified as a de novo. ACMG Criteria (PVS1, PP5, PM2, PS2)

Broad Center for Mendelian Genomics, Broad Institute of MIT and Harvard
Classification: Uncertain significance. Last evaluated: 2019-02-07. Review status: criteria provided, single submitter. Criteria: ACMG Guidelines, 2015. Collection method: research. Allele origin: maternal. Inheritance: Autosomal dominant inheritance. Affected: yes.
Comment: The p.Thr1176Argfs*16 variant in KMT2E has not been previously reported in individuals with autism and was absent from large population studies. This variant is predicted to cause a frameshift, which alters the proteinâ€™s amino acid sequence beginning at position 1176 and leads to a premature termination codon 16 amino acids downstream. This alteration is then predicted to lead to a truncated or absent protein. It is of note, that loss of function of the KMT2E gene in autosomal dominant disease has not yet been established based on the criteria laid out in Tayoun, 2018 (PMID: 30192042). This alteration is then predicted to lead to a truncated or absent protein. In summary, while there is some suspicion for a pathogenic role, the clinical significance of this variant is uncertain.

Juno Genomics, Hangzhou Juno Genomics, Inc
Classification: Pathogenic for O'Donnell-Luria-Rodan syndrome. Review status: criteria provided, single submitter. Criteria: ACMG Guidelines, 2015. Collection method: clinical testing. Allele origin: germline. Affected: yes.
Comment: Null variant in a gene where loss of function (LOF) is a known mechanism of disease.;Absent from controls (or at extremely low frequency if recessive) in Genome Aggregation Database, Exome Sequencing Project, 1000 Genomes Project, or Exome Aggregation Consortium.;The prevalence of the variant in affected individuals is significantly increased compared to the prevalence in controls.